The following is an entry in ClinVar:

NM_004174.4(SLC9A3):c.1214A>G (p.Asp405Gly)

Gene: SLC9A3 (solute carrier family 9 member A3). Cytogenetic location: 5p15.33.
Variant type: single nucleotide variant.
Coding change: c.1214A>G on transcript NM_004174.4 (MANE Select); coding-DNA position 1214, A replaced by G.
Protein change: p.Asp405Gly; replaces aspartic acid 405 with glycine.
Molecular consequence: missense variant.
Genome position (GRCh38, 1-based): chr5:482,690, T>C on the plus strand (A>G on the coding strand, the complement: SLC9A3 is on the minus strand). VCF-style: chr5-482690-T-C. GRCh37 (hg19) VCF-style: chr5-482805-T-C.
Other names: D405G; c.1214A>G, p.Asp405Gly (NM_001284351.3).
Identifiers: ClinVar variation 986310 (VCV000986310.2), dbSNP rs1447447724, ClinGen allele CA359027459.
Genomic context (GRCh38, chr5:482,690, plus strand): 5'-AGCACCACCAGGGCAAAGGCCACGGCCCCGCGCAGGCCCCCGTAGGACAGGACCACCTGG[T>C]CAATGGGCTCCAGCTGCACCATGCGGTAGCGGTTCAGAAGCCAGGTCTGCAGGACCACAC-3'
Protein context (NP_004165.2, residues 395-415): RYRMVQLEPI[Asp405Gly]QVVLSYGGLR

ClinVar aggregate classification (germline): Pathogenic. Review status: criteria provided, single submitter (1 of 4 stars). 2 submissions from 2 submitters: Pathogenic (1). 1 of the submissions does not count toward it. Last evaluated 2024-07-05.

Conditions:
Congenital secretory sodium diarrhea 8. Identifiers: Orphanet 103908, MedGen C5441928, MONDO:0014808, OMIM 616868.

Allele frequency attached by ClinVar (database versions not stated): TOPMed below 0.00001; gnomAD 0.00001.
gnomAD v4.1: 1 of 1,612,112 alleles (0.000062%); no homozygotes.

Submissions (2):

Aleixo Muise Laboratory, Hospital For Sick Children
Classification: Pathogenic for Congenital secretory sodium diarrhea 8. Last evaluated: 2024-07-05. Review status: criteria provided, single submitter. Criteria: ACMG Guidelines, 2015. Collection method: research. Allele origin: germline. Affected: yes. Observed: 1 variant allele.
Comment: PS1;PM2;PM3;PP3;PP4

OMIM
Classification: Pathogenic for DIARRHEA 8, SECRETORY SODIUM, CONGENITAL. Last evaluated: 2020-11-18. Review status: no assertion criteria provided. Collection method: literature only. Allele origin: germline. Not counted in ClinVar's aggregate classification.

Literature cited by the submitters: PubMed 30633106 (cited by OMIM).